The following is an entry in ClinVar:

NM_000112.4(SLC26A2):c.1253T>G (p.Met418Arg)

Gene: SLC26A2 (solute carrier family 26 member 2; plus strand). Cytogenetic location: 5q32.
Variant type: single nucleotide variant.
Coding change: c.1253T>G on transcript NM_000112.4 (MANE Select); coding-DNA position 1253, T replaced by G.
Protein change: p.Met418Arg; replaces methionine 418 with arginine.
Molecular consequence: missense variant.
Genome position (GRCh38, 1-based): chr5:149,980,846, T>G. VCF-style: chr5-149980846-T-G. GRCh37 (hg19) VCF-style: chr5-149360409-T-G.
Other names: short protein forms M418R.
Identifiers: ClinVar variation 4823935 (VCV004823935.1).
Genomic context (GRCh38, chr5:149,980,846, plus strand): 5'-TATCACTTTCTGAGATGTTTGCCAAGAAACATGGTTACACAGTCAAAGCAAACCAGGAAA[T>G]GTATGCCATTGGCTTTTGTAATATCATCCCTTCCTTCTTCCACTGTTTTACTACTAGTGC-3'
Protein context (NP_000103.2, residues 408-428): HGYTVKANQE[Met418Arg]YAIGFCNIIP

ClinVar aggregate classification (germline): Likely pathogenic (1 of 4 stars; one submission).

Conditions:
Atelosteogenesis type II (AO2). Also called: NEONATAL OSSEOUS DYSPLASIA I; SLC26A2-Related Atelosteogenesis; Neonatal osseous dysplasia 1. Identifiers: Orphanet 56304, MedGen C1850554, MONDO:0009727, OMIM 256050.

gnomAD v4.1: 2 of 1,614,118 alleles (0.00012%); highest among the groups gnomAD compares: East Asian, 0.0022%; no homozygotes.

Submission:

Laboratory of Functional Genomics, Research Centre for Medical Genetics
Classification: Likely pathogenic for Atelosteogenesis type II. Last evaluated: 2025-11-25. Review status: criteria provided, single submitter. Criteria: ACMG Guidelines, 2015. Collection method: clinical testing, in vitro. Allele origin: germline, not applicable. Inheritance: Autosomal recessive inheritance. Affected: yes. Observed: 1 variant allele. Functional consequence: decreased enzyme activity.
Comment: This variant is present in the gnomAD v4.1.0 database with a total AF of 1.24e-6 (2/1614160 alleles). The pathogenic effect of the variant p.(Met418Arg) is confirmed by the results of more than three in silico prediction programs. Sulfate uptake assays performed on patient fibroblasts revealed a significant reduction in the transmembrane transporter activity of SLC26A2.